The following is an entry in ClinVar:

NM_001018005.2(TPM1):c.437T>A (p.Ile146Asn)

Gene: TPM1 (tropomyosin 1; plus strand). Cytogenetic location: 15q22.2.
Variant type: single nucleotide variant.
Coding change: c.437T>A on transcript NM_001018005.2 (MANE Select); coding-DNA position 437, T replaced by A.
Protein change: p.Ile146Asn; replaces isoleucine 146 with asparagine.
Molecular consequence: missense variant. On other transcripts: non-coding transcript variant (17).
Genome position (GRCh38, 1-based): chr15:63,059,625, T>A. VCF-style: chr15-63059625-T-A. GRCh37 (hg19) VCF-style: chr15-63351824-T-A.
Other names: c.437T>A, p.Ile146Asn (NM_000366.6, NM_001018004.2, NM_001018006.2 and 20 more transcripts); c.329T>A, p.Ile110Asn (NM_001018008.2, NM_001301289.2, NM_001330344.2 and 9 more transcripts); c.563T>A, p.Ile188Asn (NM_001365778.1, NM_001407322.1, NM_001407323.1 and 1 more transcripts); short protein forms I110N, I188N, I146N.
Identifiers: ClinVar variation 3709312 (VCV003709312.2).

ClinVar aggregate classification (germline): Uncertain significance (1 of 4 stars; one submission).

Conditions:
Hypertrophic cardiomyopathy. Also called: HYPERTROPHIC MYOCARDIOPATHY. Identifiers: Orphanet 217569, MedGen C0007194, MeSH D002312, MONDO:0005045, HP:0001639.

Submission:

Labcorp Genetics (formerly Invitae), Labcorp
Classification: Uncertain significance for Hypertrophic cardiomyopathy. Last evaluated: 2024-11-13. Review status: criteria provided, single submitter. Criteria: Invitae Variant Classification Sherloc (09022015). Collection method: clinical testing. Allele origin: germline.
Comment: This sequence change replaces isoleucine, which is neutral and non-polar, with asparagine, which is neutral and polar, at codon 146 of the TPM1 protein (p.Ile146Asn). This variant is not present in population databases (gnomAD no frequency). This variant has not been reported in the literature in individuals affected with TPM1-related conditions. An algorithm developed to predict the effect of missense changes on protein structure and function (PolyPhen-2) suggests that this variant is likely to be disruptive. In summary, the available evidence is currently insufficient to determine the role of this variant in disease. Therefore, it has been classified as a Variant of Uncertain Significance.